The following is an entry in ClinVar:

NM_000179.3(MSH6):c.3215dup (p.Pro1073fs)

Gene: MSH6 (mutS homolog 6; plus strand). Cytogenetic location: 2p16.3.
Variant type: Duplication.
Coding change: c.3215dup on transcript NM_000179.3 (MANE Select); coding-DNA position 3215, one base duplicated (G; older notation c.3215dupG).
Protein change: p.Pro1073fs; shifts the reading frame from proline 1073.
Molecular consequence: frameshift variant. On other transcripts: 5 prime UTR variant (1), non-coding transcript variant (5), intron variant (1).
Genome position (GRCh38, 1-based): chr2:47,803,462, G duplicated; the last of 2 consecutive G bases (chr2:47,803,461-47,803,462); duplicating either gives the same sequence. VCF-style (leftmost placement, unchanged base first): chr2-47803460-T-TG. GRCh37 (hg19) VCF-style: chr2-48030599-T-TG.
Other names: c.1649dup, p.Pro551fs (NM_001406817.1); c.2918dup, p.Pro974fs (NM_001406818.1, NM_001406819.1, NM_001406820.1 and 10 more transcripts); c.2309dup, p.Pro771fs (NM_001406823.1, NM_001406829.1, NM_001281493.2 and 6 more transcripts); c.3047dup, p.Pro1017fs (NM_001406826.1); c.-5dup (NM_001406831.1); c.62dup, p.Pro22fs (NM_001406832.1); c.1160dup, p.Pro388fs (NM_001407362.1); c.2825dup, p.Pro943fs (NM_001281492.2); and 8 more; short protein forms P1017fs, P1047fs, P1073fs, P1075fs, P1105fs, P22fs, P388fs, P551fs.
Identifiers: ClinVar variation 4860400 (VCV004860400.1).

ClinVar aggregate classification (germline): Pathogenic (1 of 4 stars; one submission).

Conditions:
Hereditary cancer-predisposing syndrome. Also called: Neoplastic Syndromes, Hereditary; Tumor predisposition; Hereditary Cancer Syndrome; Hereditary neoplastic syndrome. Identifiers: Orphanet 140162, MedGen C0027672, MeSH D009386, MONDO:0015356.

Submission:

Ambry Genetics
Classification: Pathogenic for Hereditary cancer-predisposing syndrome. Last evaluated: 2026-04-23. Review status: criteria provided, single submitter. Criteria: Ambry Variant Classification Scheme 2023. Collection method: clinical testing. Allele origin: germline.
Comment: The c.3215dupG pathogenic mutation, located in coding exon 5 of the MSH6 gene, results from a duplication of G at nucleotide position 3215, causing a translational frameshift with a predicted alternate stop codon (p.P1073Sfs*20). This variant is considered to be rare based on population cohorts in the Genome Aggregation Database (gnomAD). This alteration is expected to result in loss of function by premature protein truncation or nonsense-mediated mRNA decay. As such, this alteration is interpreted as a disease-causing mutation.